The following is an entry in ClinVar:

ClinVar aggregate classification (germline): Uncertain significance (1 of 4 stars; one submission).

Conditions:
Orofacial cleft 6, susceptibility to (OFC6). Also called: CLEFT LIP WITH OR WITHOUT CLEFT PALATE, NONSYNDROMIC, 6. Identifiers: MedGen C1837213, MONDO:0012141, OMIM 608864.
Van der Woude syndrome. Identifiers: Orphanet 888, MedGen C0175697, MONDO:0019508.
Popliteal pterygium syndrome (PPS). Identifiers: Orphanet 294963, MedGen C0265259, MONDO:0017435.

Allele frequency attached by ClinVar (database versions not stated): TOPMed below 0.00001; ExAC 0.00001; gnomAD 0.00001.
gnomAD v4.1: 14 of 1,614,070 alleles (0.00087%); highest among the groups gnomAD compares: Non-Finnish European, 0.0012%; no homozygotes.

Submission:

Labcorp Genetics (formerly Invitae), Labcorp
Classification: Uncertain significance for Orofacial cleft 6, susceptibility to; Van der Woude syndrome; Popliteal pterygium syndrome. Last evaluated: 2023-09-19. Review status: criteria provided, single submitter. Criteria: Invitae Variant Classification Sherloc (09022015). Collection method: clinical testing. Allele origin: germline.
Comment: In summary, the available evidence is currently insufficient to determine the role of this variant in disease. Therefore, it has been classified as a Variant of Uncertain Significance. Advanced modeling of protein sequence and biophysical properties (such as structural, functional, and spatial information, amino acid conservation, physicochemical variation, residue mobility, and thermodynamic stability) performed at Invitae indicates that this missense variant is not expected to disrupt IRF6 protein function. This variant has not been reported in the literature in individuals affected with IRF6-related conditions. This variant is present in population databases (rs781389179, gnomAD 0.003%). This sequence change replaces serine, which is neutral and polar, with leucine, which is neutral and non-polar, at codon 153 of the IRF6 protein (p.Ser153Leu).

NM_006147.4(IRF6):c.458C>T (p.Ser153Leu)

Gene: IRF6 (interferon regulatory factor 6; minus strand). Cytogenetic location: 1q32.2.
Variant type: single nucleotide variant.
Coding change: c.458C>T on transcript NM_006147.4 (MANE Select); coding-DNA position 458, C replaced by T.
Protein change: p.Ser153Leu; replaces serine 153 with leucine.
Molecular consequence: missense variant.
Genome position (GRCh38, 1-based): chr1:209,795,340, G>A on the plus strand (C>T on the coding strand, the complement: IRF6 is on the minus strand). VCF-style: chr1-209795340-G-A. GRCh37 (hg19) VCF-style: chr1-209968685-G-A.
Other names: c.173C>T, p.Ser58Leu (NM_001206696.2); short protein forms S153L, S58L.
Identifiers: ClinVar variation 2952881 (VCV002952881.3), dbSNP rs781389179, ClinGen allele CA1377326.